The following is an entry in ClinVar:

ClinVar aggregate classification (germline): Uncertain significance. Review status: criteria provided, multiple submitters, no conflicts (2 of 4 stars). 2 submissions from 2 submitters: Uncertain significance (2). Last evaluated 2025-03-27.

Allele frequency attached by ClinVar (database versions not stated): gnomAD 0.00001; TOPMed 0.00001; ExAC 0.00002; gnomAD exomes 0.00002 and 0.00003.

Submissions (2):

Labcorp Genetics (formerly Invitae), Labcorp
Classification: Uncertain significance. Last evaluated: 2025-03-27. Review status: criteria provided, single submitter. Criteria: Invitae Variant Classification Sherloc (09022015). Collection method: clinical testing. Allele origin: germline.
Comment: This sequence change replaces arginine, which is basic and polar, with lysine, which is basic and polar, at codon 364 of the A2ML1 protein (p.Arg364Lys). This variant is present in population databases (rs764961744, gnomAD 0.01%). This variant has not been reported in the literature in individuals affected with A2ML1-related conditions. ClinVar contains an entry for this variant (Variation ID: 966593). An algorithm developed to predict the effect of missense changes on protein structure and function outputs the following: PolyPhen-2: "Benign". The lysine amino acid residue is found in multiple mammalian species, which suggests that this missense change does not adversely affect protein function. In summary, the available evidence is currently insufficient to determine the role of this variant in disease. Therefore, it has been classified as a Variant of Uncertain Significance.

Ambry Genetics
Classification: Uncertain significance. Last evaluated: 2024-05-19. Review status: criteria provided, single submitter. Criteria: Ambry Variant Classification Scheme 2023. Collection method: clinical testing. Allele origin: germline.
Comment: The p.R364K variant (also known as c.1091G>A), located in coding exon 11 of the A2ML1 gene, results from a G to A substitution at nucleotide position 1091. The arginine at codon 364 is replaced by lysine, an amino acid with highly similar properties. This amino acid position is conserved. In addition, this alteration is predicted to be tolerated by in silico analysis. Since supporting evidence is limited at this time, the clinical significance of this alteration remains unclear.

NM_144670.6(A2ML1):c.1091G>A (p.Arg364Lys)

Gene: A2ML1 (alpha-2-macroglobulin like 1; plus strand). Cytogenetic location: 12p13.31.
Variant type: single nucleotide variant.
Coding change: c.1091G>A on transcript NM_144670.6 (MANE Select); coding-DNA position 1091, G replaced by A.
Protein change: p.Arg364Lys; replaces arginine 364 with lysine.
Molecular consequence: missense variant.
Genome position (GRCh38, 1-based): chr12:8,841,379, G>A. VCF-style: chr12-8841379-G-A. GRCh37 (hg19) VCF-style: chr12-8993975-G-A.
Other names: short protein forms R364K.
Identifiers: ClinVar variation 966593 (VCV000966593.13), dbSNP rs764961744, ClinGen allele CA6435550.